The following is an entry in ClinVar:

NM_177438.3(DICER1):c.3197C>A (p.Thr1066Asn)

Gene: DICER1 (dicer 1, ribonuclease III; minus strand). Cytogenetic location: 14q32.13.
Variant type: single nucleotide variant.
Coding change: c.3197C>A on transcript NM_177438.3 (MANE Select); coding-DNA position 3197, C replaced by A.
Protein change: p.Thr1066Asn; replaces threonine 1066 with asparagine.
Molecular consequence: missense variant. On other transcripts: non-coding transcript variant (6).
Genome position (GRCh38, 1-based): chr14:95,105,143, G>T on the plus strand (C>A on the coding strand, the complement: DICER1 is on the minus strand). VCF-style: chr14-95105143-G-T. GRCh37 (hg19) VCF-style: chr14-95571480-G-T.
Other names: c.3197C>A, p.Thr1066Asn (NM_001195573.1, NM_001271282.3, NM_001291628.2 and 13 more transcripts); c.2915C>A, p.Thr972Asn (NM_001395686.1); c.2792C>A, p.Thr931Asn (NM_001395687.1, NM_001395688.1, NM_001395689.1 and 2 more transcripts); c.2630C>A, p.Thr877Asn (NM_001395691.1); c.1514C>A, p.Thr505Asn (NM_001395697.1); short protein forms T931N, T1066N, T505N, T877N, T972N.
Identifiers: ClinVar variation 1967152 (VCV001967152.5), dbSNP rs1313061695, ClinGen allele CA390876553.

ClinVar aggregate classification (germline): Uncertain significance (1 of 4 stars; one submission).

Conditions:
DICER1-related tumor predisposition. Also called: DICER1 syndrome; DICER1-related pleuropulmonary blastoma cancer predisposition syndrome. Identifiers: Orphanet 284343, MedGen C3839822, MONDO:0100216.

Submission:

Labcorp Genetics (formerly Invitae), Labcorp
Classification: Uncertain significance for DICER1-related tumor predisposition. Last evaluated: 2025-09-22. Review status: criteria provided, single submitter. Criteria: Invitae Variant Classification Sherloc (09022015). Collection method: clinical testing. Allele origin: germline.
Comment: This sequence change replaces threonine, which is neutral and polar, with asparagine, which is neutral and polar, at codon 1066 of the DICER1 protein (p.Thr1066Asn). This variant is not present in population databases (gnomAD no frequency). This variant has not been reported in the literature in individuals affected with DICER1-related conditions. ClinVar contains an entry for this variant (Variation ID: 1967152). Invitae Evidence Modeling of protein sequence and biophysical properties (such as structural, functional, and spatial information, amino acid conservation, physicochemical variation, residue mobility, and thermodynamic stability) indicates that this missense variant is not expected to disrupt DICER1 protein function with a negative predictive value of 95%. In summary, the available evidence is currently insufficient to determine the role of this variant in disease. Therefore, it has been classified as a Variant of Uncertain Significance.